The following is an entry in ClinVar:

NM_058216.3(RAD51C):c.145+2T>G

Genes: RAD51C (RAD51 paralog C; plus strand), LOC130061310 (ATAC-STARR-seq lymphoblastoid active region 12491; plus strand). Cytogenetic location: 17q22.
Variant type: single nucleotide variant.
Coding change: c.145+2T>G on transcript NM_058216.3 (MANE Select); the canonical splice donor site of the intron after coding-DNA position 145, T replaced by G.
Molecular consequence: splice donor variant.
Genome position (GRCh38, 1-based): chr17:58,692,790, T>G. VCF-style: chr17-58692790-T-G. GRCh37 (hg19) VCF-style: chr17-56770151-T-G.
Other names: c.145+2T>G (NM_002876.4).
Identifiers: ClinVar variation 372087 (VCV000372087.13), dbSNP rs1057517641, ClinGen allele CA16042171.

ClinVar aggregate classification (germline): Pathogenic/Likely pathogenic. Review status: criteria provided, multiple submitters, no conflicts (2 of 4 stars). 6 submissions from 5 submitters: Pathogenic (1); Likely pathogenic (3). 2 of the submissions do not count toward it. Last evaluated 2025-03-17.

Conditions:
Hereditary cancer-predisposing syndrome. Also called: Tumor predisposition; Hereditary Cancer Syndrome; Hereditary neoplastic syndrome; Neoplastic Syndromes, Hereditary. Identifiers: Orphanet 140162, MedGen C0027672, MeSH D009386, MONDO:0015356.
Fanconi anemia complementation group O. Also called: RAD51C-Related Fanconi Anemia. Identifiers: Orphanet 84, MedGen C3150653, MONDO:0013248, OMIM 613390.
Breast-ovarian cancer, familial, susceptibility to, 3. Also called: RAD51C-Related Breast/Ovarian Cancer. Identifiers: Orphanet 145, MedGen C3150659, MONDO:0013253, OMIM 613399.

Submissions (6):

Labcorp Genetics (formerly Invitae), Labcorp
Classification: Pathogenic for Fanconi anemia complementation group O. Last evaluated: 2025-03-17. Review status: criteria provided, single submitter. Criteria: Invitae Variant Classification Sherloc (09022015). Collection method: clinical testing. Allele origin: germline.
Comment: This sequence change affects a donor splice site in intron 1 of the RAD51C gene. RNA analysis indicates that disruption of this splice site induces altered splicing and may result in an absent or altered protein product. This variant is not present in population databases (gnomAD no frequency). Disruption of this splice site has been observed in individual(s) with breast cancer and/or ovarian cancer (PMID: 20400964). ClinVar contains an entry for this variant (Variation ID: 372087). Studies have shown that disruption of this splice site alters mRNA splicing and is expected to lead to the loss of protein expression (PMID: 20400964). For these reasons, this variant has been classified as Pathogenic.

Color Diagnostics, LLC DBA Color Health
Classification: Likely pathogenic for Hereditary cancer-predisposing syndrome. Last evaluated: 2024-08-06. Review status: criteria provided, single submitter. Criteria: ACMG Guidelines, 2015. Collection method: clinical testing. Allele origin: germline.
Comment: This variant causes a T>G nucleotide substitution at the +2 position of intron 1 of the RAD51C gene. Splice site prediction tools suggest that this variant may have a significant impact on RNA splicing. Although this prediction has not been confirmed in published RNA studies, this variant is expected to result in an absent or disrupted protein product. Another variant at this splice site (c.145+1G>T) was observed to abolish this splice site in favor of an increased background transcript producing a protein out of frame with respect to canonical RAD51C protein (PMID: 20400964). This variant has not been reported in individuals affected with RAD51C-related disorders in the literature. This variant has not been identified in the general population by the Genome Aggregation Database (gnomAD). Based on the available evidence, this variant is classified as Likely Pathogenic.

Myriad Genetics, Inc.
Classification: Likely pathogenic for Breast-ovarian cancer, familial, susceptibility to, 3. Last evaluated: 2023-02-27. Review status: criteria provided, single submitter. Criteria: Myriad Autosomal Dominant, Autosomal Recessive and X-Linked Classification Criteria (2023). Collection method: clinical testing. Allele origin: unknown.
Comment: This variant is considered likely pathogenic. This variant occurs within a consensus splice junction and is predicted to result in abnormal mRNA splicing of either an out-of-frame exon or an in-frame exon necessary for protein stability and/or normal function.

Ambry Genetics
Classification: Likely pathogenic for Hereditary cancer-predisposing syndrome. Last evaluated: 2022-05-27. Review status: criteria provided, single submitter. Criteria: Ambry Variant Classification Scheme 2023. Collection method: clinical testing. Allele origin: germline.
Comment: The c.145+2T>G intronic variant results from a T to G substitution two nucleotides after coding exon 1 in the RAD51C gene. Another alteration impacting the same donor site (c.145+1G>T), was identified in 1/480 German families with both breast and ovarian cancer, and was not observed in 620 breast cancer only families or 2912 healthy controls; RT-PCR analysis confirmed that this alteration disrupts splicing and results in an aberrant transcript, and the authors identified loss of the wild-type allele in tumor cells from an individual with this alteration (Meindl A et al. Nat. Genet., 2010 May;42:410-4). In silico splice site analysis predicts that this alteration will weaken the native splice donor site; however, direct evidence is insufficient at this time (Ambry internal data). In addition, this variant is considered to be rare based on population cohorts in the Genome Aggregation Database (gnomAD). Alterations that disrupt the canonical splice site are expected to cause aberrant splicing, resulting in an abnormal protein or a transcript that is subject to nonsense-mediated mRNA decay. As such, this alteration is classified as likely pathogenic.

Counsyl
Classification: Likely pathogenic for Fanconi anemia complementation group O. Last evaluated: 2016-08-04. Review status: no assertion criteria provided. Collection method: clinical testing. Allele origin: unknown. Not counted in ClinVar's aggregate classification.

Counsyl
Classification: Likely pathogenic for Breast-ovarian cancer, familial, susceptibility to, 3. Last evaluated: 2016-08-04. Review status: no assertion criteria provided. Collection method: clinical testing. Allele origin: unknown. Not counted in ClinVar's aggregate classification.

Literature cited by the submitters: PubMed 20400964 (cited by Labcorp Genetics (formerly Invitae), Labcorp and Color Diagnostics, LLC DBA Color Health).